The following is an entry in ClinVar:

NM_001035.3(RYR2):c.6028G>A (p.Glu2010Lys)

Gene: RYR2 (ryanodine receptor 2; plus strand). Cytogenetic location: 1q43.
Variant type: single nucleotide variant.
Coding change: c.6028G>A on transcript NM_001035.3 (MANE Select); coding-DNA position 6028, G replaced by A.
Protein change: p.Glu2010Lys; replaces glutamic acid 2010 with lysine.
Molecular consequence: missense variant.
Genome position (GRCh38, 1-based): chr1:237,625,666, G>A. VCF-style: chr1-237625666-G-A. GRCh37 (hg19) VCF-style: chr1-237788966-G-A.
Other names: short protein forms E2010K.
Identifiers: ClinVar variation 4759127 (VCV004759127.1).

ClinVar aggregate classification (germline): Uncertain significance (1 of 4 stars; one submission).

Conditions:
Cardiomyopathy (CMYO). Also called: Cardiomyopathies. Identifiers: Orphanet 167848, MedGen C0878544, MONDO:0004994, HP:0001638. Inheritance: Various modes of inheritance.

gnomAD v4.1: 1 of 1,612,856 alleles (0.000062%); highest among the groups gnomAD compares: Non-Finnish European, 0.000085%; no homozygotes.

Submission:

Color Diagnostics, LLC DBA Color Health
Classification: Uncertain significance for Cardiomyopathy. Last evaluated: 2025-07-28. Review status: criteria provided, single submitter. Criteria: ACMG Guidelines, 2015. Collection method: clinical testing. Allele origin: germline.
Comment: This missense variant replaces glutamic acid with lysine at codon 2010 of the RYR2 protein. Computational prediction suggests that this variant may not impact protein structure and function. To our knowledge, functional studies have not been reported for this variant. This variant has not been reported in individuals affected with RYR2-related disorders in the literature. This variant has not been identified in the general population by the Genome Aggregation Database (gnomAD). The available evidence is insufficient to determine the role of this variant in disease conclusively. Therefore, this variant is classified as a Variant of Uncertain Significance.